The following is an entry in ClinVar:

ClinVar aggregate classification (germline): Uncertain significance. Review status: criteria provided, multiple submitters, no conflicts (2 of 4 stars). 3 submissions from 3 submitters: Uncertain significance (3). Last evaluated 2024-05-02.

Conditions:
Renal tubular acidosis, distal, 3, with or without sensorineural hearing loss (DRTA3). Identifiers: MedGen C5399980, MONDO:0011268, OMIM 602722.

Allele frequency attached by ClinVar (database versions not stated): gnomAD exomes 0.00001 and 0.00003; ExAC 0.00003; gnomAD 0.00007 and 0.00009; TOPMed 0.00018; ESP Exome Variant Server 0.00031.

Submissions (3):

Fulgent Genetics
Classification: Uncertain significance for Renal tubular acidosis, distal, 3, with or without sensorineural hearing loss. Last evaluated: 2024-05-02. Review status: criteria provided, single submitter. Criteria: ACMG Guidelines, 2015. Collection method: clinical testing. Allele origin: germline.

Labcorp Genetics (formerly Invitae), Labcorp
Classification: Uncertain significance. Last evaluated: 2022-07-19. Review status: criteria provided, single submitter. Criteria: Invitae Variant Classification Sherloc (09022015). Collection method: clinical testing. Allele origin: germline.
Comment: ClinVar contains an entry for this variant (Variation ID: 1386970). In summary, the available evidence is currently insufficient to determine the role of this variant in disease. Therefore, it has been classified as a Variant of Uncertain Significance. Algorithms developed to predict the effect of missense changes on protein structure and function are either unavailable or do not agree on the potential impact of this missense change (SIFT: "Deleterious"; PolyPhen-2: "Probably Damaging"; Align-GVGD: "Class C0"). This variant has not been reported in the literature in individuals affected with ATP6V0A4-related conditions. This variant is present in population databases (rs139370870, gnomAD 0.02%). This sequence change replaces glycine, which is neutral and non-polar, with arginine, which is basic and polar, at codon 33 of the ATP6V0A4 protein (p.Gly33Arg).

Blueprint Genetics
Classification: Uncertain significance. Last evaluated: 2020-01-10. Review status: criteria provided, single submitter. Criteria: ACMG Guidelines, 2015. Collection method: clinical testing. Allele origin: germline.

NM_020632.3(ATP6V0A4):c.97G>A (p.Gly33Arg)

Genes: ATP6V0A4 (ATPase H+ transporting V0 subunit a4; minus strand), LOC129389889 (MPRA-validated peak6777 silencer; plus strand). Cytogenetic location: 7q34.
Variant type: single nucleotide variant.
Coding change: c.97G>A on transcript NM_020632.3 (MANE Select); coding-DNA position 97, G replaced by A.
Protein change: p.Gly33Arg; replaces glycine 33 with arginine.
Molecular consequence: missense variant.
Genome position (GRCh38, 1-based): chr7:138,771,151, C>T on the plus strand (G>A on the coding strand, the complement: ATP6V0A4 is on the minus strand). VCF-style: chr7-138771151-C-T. GRCh37 (hg19) VCF-style: chr7-138455896-C-T.
Other names: c.97G>A, p.Gly33Arg (NM_130840.3, NM_130841.3); short protein forms G33R.
Identifiers: ClinVar variation 1386970 (VCV001386970.6), dbSNP rs139370870, ClinGen allele CA4505256.